The following is an entry in ClinVar:

NM_138713.4(NFAT5):c.1279A>G (p.Thr427Ala)

Gene: NFAT5 (nuclear factor of activated T cells 5; plus strand). Cytogenetic location: 16q22.1.
Variant type: single nucleotide variant.
Coding change: c.1279A>G on transcript NM_138713.4 (MANE Select); coding-DNA position 1279, A replaced by G.
Protein change: p.Thr427Ala; replaces threonine 427 with alanine.
Molecular consequence: missense variant.
Genome position (GRCh38, 1-based): chr16:69,659,809, A>G. VCF-style: chr16-69659809-A-G. GRCh37 (hg19) VCF-style: chr16-69693712-A-G.
Other names: c.1279A>G, p.Thr427Ala (NM_001113178.3); c.607A>G, p.Thr203Ala (NM_001367709.1); c.1225A>G, p.Thr409Ala (NM_006599.4); c.997A>G, p.Thr333Ala (NM_138714.4, NM_173214.3, NM_173215.3); short protein forms T203A, T333A, T409A, T427A.
Identifiers: ClinVar variation 1055137 (VCV001055137.9), dbSNP rs756830190, ClinGen allele CA8135503.

ClinVar aggregate classification (germline): Uncertain significance (1 of 4 stars; one submission).

Conditions:
Immunodeficiency. Identifiers: MedGen C0021051, MONDO:0021094, HP:0002721.

Allele frequency attached by ClinVar (database versions not stated): gnomAD 0.00001; gnomAD exomes 0.00001; ExAC 0.00002; TOPMed 0.00002.

Submission:

Labcorp Genetics (formerly Invitae), Labcorp
Classification: Uncertain significance for Immunodeficiency. Last evaluated: 2025-05-18. Review status: criteria provided, single submitter. Criteria: Invitae Variant Classification Sherloc (09022015). Collection method: clinical testing. Allele origin: germline.
Comment: This sequence change replaces threonine, which is neutral and polar, with alanine, which is neutral and non-polar, at codon 333 of the NFAT5 protein (p.Thr333Ala). This variant is present in population databases (rs756830190, gnomAD 0.002%). This variant has not been reported in the literature in individuals affected with NFAT5-related conditions. ClinVar contains an entry for this variant (Variation ID: 1055137). An algorithm developed to predict the effect of missense changes on protein structure and function (PolyPhen-2) suggests that this variant is likely to be disruptive. In summary, the available evidence is currently insufficient to determine the role of this variant in disease. Therefore, it has been classified as a Variant of Uncertain Significance.